The following is an entry in ClinVar:

NM_015909.4(NBAS):c.2999A>G (p.Tyr1000Cys)

Gene: NBAS (NBAS subunit of NRZ tethering complex; minus strand). Cytogenetic location: 2p24.3.
Variant type: single nucleotide variant.
Coding change: c.2999A>G on transcript NM_015909.4 (MANE Select); coding-DNA position 2999, A replaced by G.
Protein change: p.Tyr1000Cys; replaces tyrosine 1000 with cysteine.
Molecular consequence: missense variant. On other transcripts: non-coding transcript variant (1).
Genome position (GRCh38, 1-based): chr2:15,402,240, T>C on the plus strand (A>G on the coding strand, the complement: NBAS is on the minus strand). VCF-style: chr2-15402240-T-C. GRCh37 (hg19) VCF-style: chr2-15542364-T-C.
Other names: short protein forms Y1000C.
Identifiers: ClinVar variation 1896923 (VCV001896923.2), dbSNP rs756200764, ClinGen allele CA1536196.

ClinVar aggregate classification (germline): Uncertain significance (1 of 4 stars; one submission).

Allele frequency attached by ClinVar (database versions not stated): gnomAD 0.00001; gnomAD exomes 0.00001; ExAC 0.00003.
gnomAD v4.1: 19 of 1,613,506 alleles (0.0012%); highest among the groups gnomAD compares: Admixed American, 0.013%; no homozygotes.

Submission:

Labcorp Genetics (formerly Invitae), Labcorp
Classification: Uncertain significance. Last evaluated: 2022-09-09. Review status: criteria provided, single submitter. Criteria: Invitae Variant Classification Sherloc (09022015). Collection method: clinical testing. Allele origin: germline.
Comment: This sequence change replaces tyrosine, which is neutral and polar, with cysteine, which is neutral and slightly polar, at codon 1000 of the NBAS protein (p.Tyr1000Cys). This variant is present in population databases (rs756200764, gnomAD 0.009%). This variant has not been reported in the literature in individuals affected with NBAS-related conditions. Advanced modeling of protein sequence and biophysical properties (such as structural, functional, and spatial information, amino acid conservation, physicochemical variation, residue mobility, and thermodynamic stability) performed at Invitae indicates that this missense variant is not expected to disrupt NBAS protein function. In summary, the available evidence is currently insufficient to determine the role of this variant in disease. Therefore, it has been classified as a Variant of Uncertain Significance.